The following is an entry in ClinVar:

NM_003640.5(ELP1):c.3397C>T (p.Arg1133Cys)

Gene: ELP1 (elongator acetyltransferase complex subunit 1; minus strand). Cytogenetic location: 9q31.3.
Variant type: single nucleotide variant.
Coding change: c.3397C>T on transcript NM_003640.5 (MANE Select); coding-DNA position 3397, C replaced by T.
Protein change: p.Arg1133Cys; replaces arginine 1133 with cysteine.
Molecular consequence: missense variant.
Genome position (GRCh38, 1-based): chr9:108,880,115, G>A on the plus strand (C>T on the coding strand, the complement: ELP1 is on the minus strand). VCF-style: chr9-108880115-G-A. GRCh37 (hg19) VCF-style: chr9-111642395-G-A.
Other names: c.3055C>T, p.Arg1019Cys (NM_001318360.2); c.2350C>T, p.Arg784Cys (NM_001330749.2); c.3397C>T (LRG_251t1); short protein forms R1133C, R784C, R1019C.
Identifiers: ClinVar variation 551755 (VCV000551755.7), dbSNP rs372499865, ClinGen allele CA5174320.

ClinVar aggregate classification (germline): Uncertain significance. Review status: criteria provided, multiple submitters, no conflicts (2 of 4 stars). 4 submissions from 4 submitters: Uncertain significance (2). 2 of the submissions do not count toward it. Last evaluated 2025-01-21.

Conditions:
Familial dysautonomia. Also called: FD; HSAN III. Identifiers: Orphanet 1764, MedGen C0013364, MONDO:0009131, OMIM 223900. Disease mechanism: loss of function.

Allele frequency attached by ClinVar (database versions not stated): ExAC 0.00001; gnomAD exomes 0.00001 and 0.00003; gnomAD 0.00003 and 0.00004; TOPMed 0.00004; ESP Exome Variant Server 0.00008.
gnomAD v4.1: 43 of 1,614,000 alleles (0.0027%); highest among the groups gnomAD compares: Non-Finnish European, 0.0034%; no homozygotes.

Submissions (4):

Ambry Genetics
Classification: Uncertain significance. Last evaluated: 2025-01-21. Review status: criteria provided, single submitter. Criteria: Ambry Variant Classification Scheme 2023. Collection method: clinical testing. Allele origin: germline.

Labcorp Genetics (formerly Invitae), Labcorp
Classification: Uncertain significance. Last evaluated: 2022-10-25. Review status: criteria provided, single submitter. Criteria: Invitae Variant Classification Sherloc (09022015). Collection method: clinical testing. Allele origin: germline.
Comment: This sequence change replaces arginine, which is basic and polar, with cysteine, which is neutral and slightly polar, at codon 1133 of the ELP1 protein (p.Arg1133Cys). This variant is present in population databases (rs372499865, gnomAD 0.006%). This variant has not been reported in the literature in individuals affected with ELP1-related conditions. ClinVar contains an entry for this variant (Variation ID: 551755). Advanced modeling of protein sequence and biophysical properties (such as structural, functional, and spatial information, amino acid conservation, physicochemical variation, residue mobility, and thermodynamic stability) performed at Invitae indicates that this missense variant is not expected to disrupt ELP1 protein function. In summary, the available evidence is currently insufficient to determine the role of this variant in disease. Therefore, it has been classified as a Variant of Uncertain Significance.

Natera, Inc.
Classification: Uncertain significance for Familial dysautonomia. Last evaluated: 2020-09-16. Review status: no assertion criteria provided. Collection method: clinical testing. Allele origin: germline. Not counted in ClinVar's aggregate classification.

Counsyl
Classification: Uncertain significance for Familial dysautonomia. Last evaluated: 2017-05-15. Review status: no assertion criteria provided. Collection method: clinical testing. Allele origin: unknown. Not counted in ClinVar's aggregate classification.